The following is an entry in ClinVar:

ClinVar aggregate classification (germline): Pathogenic (1 of 4 stars; one submission).

Submission:

Labcorp Genetics (formerly Invitae), Labcorp
Classification: Pathogenic. Last evaluated: 2024-02-16. Review status: criteria provided, single submitter. Criteria: Invitae Variant Classification Sherloc (09022015). Collection method: clinical testing. Allele origin: germline.
Comment: This sequence change creates a premature translational stop signal (p.Lys635*) in the GLE1 gene. It is expected to result in an absent or disrupted protein product. Loss-of-function variants in GLE1 are known to be pathogenic (PMID: 18204449, 24243016, 27684565). This variant is not present in population databases (gnomAD no frequency). This variant has not been reported in the literature in individuals affected with GLE1-related conditions. For these reasons, this variant has been classified as Pathogenic.

Literature cited by the submitters: PubMed 18204449; PubMed 24243016; PubMed 27684565.

NM_001003722.2(GLE1):c.1903A>T (p.Lys635Ter)

Genes: GLE1 (GLE1 RNA export mediator; plus strand), LOC101929270 (uncharacterized LOC101929270; minus strand). Cytogenetic location: 9q34.11.
Variant type: single nucleotide variant.
Coding change: c.1903A>T on transcript NM_001003722.2 (MANE Select); coding-DNA position 1903, A replaced by T.
Protein change: p.Lys635Ter; replaces lysine 635 with a stop codon.
Molecular consequence: nonsense.
Genome position (GRCh38, 1-based): chr9:128,539,637, A>T. VCF-style: chr9-128539637-A-T. GRCh37 (hg19) VCF-style: chr9-131301916-A-T.
Other names: c.1930A>T, p.Lys644Ter (NM_001411013.1); c.1903A>T, p.Lys635Ter (NM_001499.2); short protein forms K635*, K644*.
Identifiers: ClinVar variation 3639088 (VCV003639088.2).